The following is an entry in ClinVar:

NM_006206.6(PDGFRA):c.1559-17T>C

Gene: PDGFRA (platelet derived growth factor receptor alpha; plus strand). Cytogenetic location: 4q12.
Variant type: single nucleotide variant.
Coding change: c.1559-17T>C on transcript NM_006206.6 (MANE Select); 17 bases into the intron before coding-DNA position 1559, T replaced by C.
Molecular consequence: intron variant.
Genome position (GRCh38, 1-based): chr4:54,274,514, T>C. VCF-style: chr4-54274514-T-C. GRCh37 (hg19) VCF-style: chr4-55140681-T-C.
Other names: c.1634-17T>C (NM_001347828.2); c.1559-17T>C (NM_001347827.2, NM_001347829.2); c.1598-17T>C (NM_001347830.2).
Identifiers: ClinVar variation 4875957 (VCV004875957.1).

ClinVar aggregate classification (germline): Likely benign (1 of 4 stars; one submission).

Conditions:
Polyps, multiple and recurrent inflammatory fibroid, gastrointestinal. Identifiers: MedGen C5193005, MONDO:0008285, OMIM 175510.

Submission:

Myriad Genetics, Inc.
Classification: Likely benign for Polyps, multiple and recurrent inflammatory fibroid, gastrointestinal. Last evaluated: 2026-06-15. Review status: criteria provided, single submitter. Criteria: Myriad Autosomal Dominant, Autosomal Recessive and X-Linked Classification Criteria (2023). Collection method: clinical testing. Allele origin: unknown.
Comment: This variant is considered likely benign. This variant is intronic and is not expected to impact mRNA splicing.